The following is an entry in ClinVar:

ClinVar aggregate classification (germline): Conflicting classifications of pathogenicity. Review status: criteria provided, conflicting classifications (1 of 4 stars). 14 submissions from 14 submitters: Uncertain significance (4); Benign (2); Likely benign (5). 3 of the submissions do not count toward it. Last evaluated 2026-01-28.

Conditions:
AGXT-related disorder. Also called: AGXT-related condition.
Primary hyperoxaluria, type I (HP1). Also called: GLYCOLIC ACIDURIA; HEPATIC AGT DEFICIENCY; OXALOSIS I; Primary hyperoxaluria type 1. Identifiers: Orphanet 416, Orphanet 93598, MedGen C0268164, MONDO:0009823, OMIM 259900. Disease mechanism: loss of function.

Allele frequency attached by ClinVar (database versions not stated): gnomAD 0.00179 and 0.00171; gnomAD exomes 0.00182 and 0.00305; TOPMed 0.00168; 1000 Genomes Project 0.00160; 1000 Genomes Project 30x 0.00172; ESP Exome Variant Server 0.00185; ExAC 0.00188.
gnomAD v4.1: 4,677 of 1,614,098 alleles (0.29%); highest among the groups gnomAD compares: Non-Finnish European, 0.36%; 11 homozygotes.

Submissions (14):

Labcorp Genetics (formerly Invitae), Labcorp
Classification: Likely benign. Last evaluated: 2026-01-28. Review status: criteria provided, single submitter. Criteria: Invitae Variant Classification Sherloc (09022015). Collection method: clinical testing. Allele origin: germline.

Rare Kidney Stone Consortium and the Mayo Clinic Hyperoxaluria Center, Mayo Clinic
Classification: Uncertain significance for Primary hyperoxaluria, type I. Last evaluated: 2025-10-03. Review status: criteria provided, single submitter. Criteria: ACMG Guidelines, 2015. Collection method: research. Allele origin: germline. Observed: 2 variant alleles.
Comment: ACMG:PM1, PM2, PP2, PP3, BP4, BP6, BS1, BS2

Mayo Clinic Laboratories, Mayo Clinic
Classification: Uncertain significance. Last evaluated: 2024-12-05. Review status: criteria provided, single submitter. Criteria: ACMG Guidelines, 2015. Collection method: clinical testing. Allele origin: germline. Observed: 3 variant alleles.
Comment: BS1, BS2, PM3_supporting

Blueprint Genetics
Classification: Uncertain significance. Last evaluated: 2024-11-26. Review status: criteria provided, single submitter. Criteria: ACMG Guidelines, 2015. Collection method: clinical testing. Allele origin: germline.

Clinical Biochemistry Laboratory, Health Services Laboratory
Classification: Uncertain significance for Primary hyperoxaluria, type I. Last evaluated: 2023-12-23. Review status: criteria provided, single submitter. Criteria: ACMG Guidelines, 2015. Collection method: clinical testing. Allele origin: germline. Affected: yes.
Comment: This variant has been confirmed to be pathogenic in vivo when expressed on the background of the minor allele (AGXT c.32C>T)(PMID:19479957) but, when expressed on the major allele (AGXT c.32C=), it has normal activity in vitro (PID:15963748). Interpretation therefore requires knowledge of the haplotype. ACMG for expression on minor allele:PS3 PM2 PM3 PP3 PP4 BP6 (Pathogenic) ACMG for expression on major allele:PM2 PP3 BS3 BP2 BP6 (likely benign)

Women's Health and Genetics/Laboratory Corporation of America, LabCorp
Classification: Likely benign. Last evaluated: 2022-05-11. Review status: criteria provided, single submitter. Criteria: LabCorp Variant Classification Summary - May 2015. Collection method: clinical testing. Allele origin: germline.
Comment: Variant summary: AGXT c.836T>C (p.Ile279Thr) results in a non-conservative amino acid change located in the Aminotransferase class V domain (IPR000192) of the encoded protein sequence. Four of five in-silico tools predict a damaging effect of the variant on protein function. The variant allele was found at a frequency of 0.0018 in 251244 control chromosomes, predominantly at a frequency of 0.003 within the Non-Finnish European subpopulation in the gnomAD database. The observed variant frequency within Non-Finnish European control individuals in the gnomAD database is approximately equal to the estimated maximal expected allele frequency for a pathogenic variant in AGXT causing Primary Hyperoxaluria Type 1 phenotype (0.0024), suggesting that the variant is a benign polymorphism found primarily in populations of Non-Finnish European origin. c.836T>C has been reported in the literature in individuals affected with Primary Hyperoxaluria Type 1 without strong evidence of causality (e.g. Coulter-Mackie_2005, Monico_2007, Hoyer-Kuhn_2014, Mandrile_2014, Hopp_2015). Importantly, co-occurrences of the variant in cis with known pathogenic variants in at least 5 compound heterozygous individuals have been reported (Coulter-Mackie_2005, Monico_2007), providing supporting evidence for a benign role. Experimental evidence evaluating an impact on protein function demonstrated the variant has essentially normal enzymatic activity (Coulter-Mackie_2005). Five ClinVar submitters (evaluation after 2014) cite the variant as benign/likely benign. Based on the evidence outlined above, the variant was classified as likely benign.

Fulgent Genetics
Classification: Likely benign for Primary hyperoxaluria, type I. Last evaluated: 2021-07-08. Review status: criteria provided, single submitter. Criteria: ACMG Guidelines, 2015. Collection method: clinical testing. Allele origin: unknown.

Mendelics
Classification: Benign for Primary hyperoxaluria, type I. Last evaluated: 2019-05-28. Review status: criteria provided, single submitter. Criteria: Mendelics Assertion Criteria 2017. Collection method: clinical testing. Allele origin: unknown.

Illumina Laboratory Services, Illumina
Classification: Likely benign for Primary hyperoxaluria, type I. Last evaluated: 2017-08-25. Review status: criteria provided, single submitter. Criteria: ICSL Variant Classification Criteria 13 December 2019. Collection method: clinical testing. Allele origin: germline.
Comment: This variant was observed as part of a predisposition screen in an ostensibly healthy population. A literature search was performed for the gene, cDNA change, and amino acid change (where applicable). Publications were found based on this search. The evidence from the literature, in combination with allele frequency data from public databases where available, was sufficient to determine this variant is unlikely to cause disease. Therefore, this variant is classified as likely benign.

Eurofins Ntd Llc (ga)
Classification: Benign. Last evaluated: 2015-04-15. Review status: criteria provided, single submitter. Criteria: EGL Classification Definitions 2015. Collection method: clinical testing. Allele origin: germline. Observed: 1 variant allele.

Breakthrough Genomics
Classification: Likely benign. Review status: criteria provided, single submitter. Criteria: ACMG Guidelines, 2015. Collection method: not provided. Allele origin: germline. Inheritance: Autosomal recessive inheritance. Affected: yes.

PreventionGenetics, part of Exact Sciences
Classification: Likely benign for AGXT-related condition. Last evaluated: 2021-02-17. Review status: no assertion criteria provided. Collection method: clinical testing. Allele origin: germline. Not counted in ClinVar's aggregate classification.
Comment: This variant is classified as likely benign based on ACMG/AMP sequence variant interpretation guidelines (Richards et al. 2015 PMID: 25741868, with internal and published modifications).

Natera, Inc.
Classification: Likely benign for Primary hyperoxaluria type I. Last evaluated: 2020-04-25. Review status: no assertion criteria provided. Collection method: clinical testing. Allele origin: germline. Not counted in ClinVar's aggregate classification.

Department of Pathology and Laboratory Medicine, Sinai Health System
Classification: Likely benign. Review status: no assertion criteria provided. Collection method: clinical testing. Allele origin: unknown. Affected: yes. Study: The Canadian Open Genetics Repository (COGR). Not counted in ClinVar's aggregate classification.
Comment: The AGXT p.Ile279Thr variant was identified in the literature in 4/55 probands with type 1 primary hyperoxaluria, however in three of these probands already carried two presumed pathogenic variants (Monico_2007_PMID:17460142). The variant was also found in two other cases of type 1 primary hyperoxaluria but was found on the same allele as the c.33_34ins variant (Coulter-Mackie_2005_PMID:15963748). The variant was identified in dbSNP (ID: rs140992177), ClinVar (classified as benign by EGL Genetic Diagnostics and as uncertain significance by Clinical Biochemistry Laboratory, Health Services Laboratory) and LOVD 3.0 (classified as likely pathogenic). The variant was identified in control databases in 510 of 282628 chromosomes at a frequency of 0.001804 increasing the likelihood this could be a low frequency benign variant (Genome Aggregation Database March 6, 2019, v2.1.1). The variant was observed in the following populations: European (non-Finnish) in 380 of 129022 chromosomes (freq: 0.002945), South Asian in 71 of 30608 chromosomes (freq: 0.00232), Other in 11 of 7222 chromosomes (freq: 0.001523), European (Finnish) in 16 of 25118 chromosomes (freq: 0.000637), Latino in 16 of 35412 chromosomes (freq: 0.000452), African in 11 of 24942 chromosomes (freq: 0.000441), Ashkenazi Jewish in 3 of 10360 chromosomes (freq: 0.00029), and East Asian in 2 of 19944 chromosomes (freq: 0.0001). The variant occurs outside of the splicing consensus sequence and in silico or computational prediction software programs (SpliceSiteFinder, MaxEntScan, NNSPLICE, GeneSplicer) do not predict a difference in splicing. The p.Ile279 residue is not conserved in mammals and computational analyses (PolyPhen-2, SIFT, AlignGVGD, BLOSUM, MutationTaster) provide inconsistent predictions regarding the impact to the protein; this information is not very predictive of pathogenicity. Functional analysis of alanine:glyoxylate aminotransferase activity was not found to be affected with the p.I279T variant. In summary, based on the above information the clinical significance of this variant cannot be determined with certainty at this time although we would lean towards a more benign role for this variant. This variant is classified as likely benign.

Literature cited by the submitters: PubMed 24988064 (cited by 3 submitters); PubMed 40794449 (cited by Rare Kidney Stone Consortium and the Mayo Clinic Hyperoxaluria Center, Mayo Clinic); PubMed 36185032 (cited by Mayo Clinic Laboratories, Mayo Clinic); PubMed 37497389 (cited by Mayo Clinic Laboratories, Mayo Clinic); PubMed 19479957 (cited by Clinical Biochemistry Laboratory, Health Services Laboratory); PubMed 15963748 (cited by 4 submitters); PubMed 17460142 (cited by 3 submitters); PubMed 25644115 (cited by Women's Health and Genetics/Laboratory Corporation of America, LabCorp); PubMed 24385516 (cited by Women's Health and Genetics/Laboratory Corporation of America, LabCorp).

NM_000030.3(AGXT):c.836T>C (p.Ile279Thr)

Gene: AGXT (alanine--glyoxylate aminotransferase; plus strand). Cytogenetic location: 2q37.3.
Variant type: single nucleotide variant.
Coding change: c.836T>C on transcript NM_000030.3 (MANE Select); coding-DNA position 836, T replaced by C.
Protein change: p.Ile279Thr; replaces isoleucine 279 with threonine.
Molecular consequence: missense variant.
Genome position (GRCh38, 1-based): chr2:240,875,994, T>C. VCF-style: chr2-240875994-T-C. GRCh37 (hg19) VCF-style: chr2-241815411-T-C.
Other names: short protein forms I279T.
Identifiers: ClinVar variation 198686 (VCV000198686.41), dbSNP rs140992177, ClinGen allele CA203554.